The following is an entry in ClinVar:

ClinVar aggregate classification (germline): Uncertain significance (1 of 4 stars; one submission).

Conditions:
Hereditary cancer-predisposing syndrome. Also called: Neoplastic Syndromes, Hereditary; Tumor predisposition; Hereditary Cancer Syndrome; Hereditary neoplastic syndrome. Identifiers: Orphanet 140162, MedGen C0027672, MeSH D009386, MONDO:0015356.

Submission:

Ambry Genetics
Classification: Uncertain significance for Hereditary cancer-predisposing syndrome. Last evaluated: 2026-01-20. Review status: criteria provided, single submitter. Criteria: Ambry Variant Classification Scheme 2023. Collection method: clinical testing. Allele origin: germline.
Comment: The p.R2418S variant (also known as c.7254A>C), located in coding exon 15 of the APC gene, results from an A to C substitution at nucleotide position 7254. The arginine at codon 2418 is replaced by serine, an amino acid with dissimilar properties. This amino acid position is conserved. In addition, in silico predictors for this gene do not accurately predict pathogenicity. Based on the available evidence, the clinical significance of this variant remains unclear.

NM_000038.6(APC):c.7254A>C (p.Arg2418Ser)

Gene: APC (APC regulator of Wnt signaling pathway; plus strand). Cytogenetic location: 5q22.2.
Variant type: single nucleotide variant.
Coding change: c.7254A>C on transcript NM_000038.6 (MANE Select); coding-DNA position 7254, A replaced by C.
Protein change: p.Arg2418Ser; replaces arginine 2418 with serine.
Molecular consequence: missense variant. On other transcripts: non-coding transcript variant (2).
Genome position (GRCh38, 1-based): chr5:112,842,848, A>C. VCF-style: chr5-112842848-A-C. GRCh37 (hg19) VCF-style: chr5-112178545-A-C.
Other names: c.7254A>C, p.Arg2418Ser (NM_001127510.3, NM_001354895.2, NM_001407450.1); c.7200A>C, p.Arg2400Ser (NM_001127511.3); c.7308A>C, p.Arg2436Ser (NM_001354896.2, NM_001407447.1, NM_001407448.1 and 1 more transcripts); c.7284A>C, p.Arg2428Ser (NM_001354897.2); c.7179A>C, p.Arg2393Ser (NM_001354898.2); c.7170A>C, p.Arg2390Ser (NM_001354899.2); c.7131A>C, p.Arg2377Ser (NM_001354900.2); c.7077A>C, p.Arg2359Ser (NM_001354901.2, NM_001407453.1); and 11 more; short protein forms R2034S, R2359S, R2390S, R2400S, R2418S, R2258S, R2289S, R2335S.
Identifiers: ClinVar variation 4825032 (VCV004825032.1).